The following is an entry in ClinVar:

ClinVar aggregate classification (germline): Conflicting classifications of pathogenicity. Review status: criteria provided, conflicting classifications (1 of 4 stars). 3 submissions from 3 submitters: Uncertain significance (2); Likely benign (1). Last evaluated 2024-02-08.

Conditions:
Hereditary cancer-predisposing syndrome. Also called: Neoplastic Syndromes, Hereditary; Hereditary Cancer Syndrome; Hereditary neoplastic syndrome; Tumor predisposition. Identifiers: Orphanet 140162, MedGen C0027672, MeSH D009386, MONDO:0015356.
Hereditary breast ovarian cancer syndrome. Also called: Hereditary breast and ovarian cancer syndrome (HBOC); Hereditary breast and ovarian cancer syndrome; Breast and ovarian cancer; BRCA1- and BRCA2-Associated Hereditary Breast and Ovarian Cancer; Hereditary breast and ovarian cancer; Hereditary breast and/or ovarian cancer syndrome. Identifiers: Orphanet 145, MedGen C0677776, MeSH D061325, MONDO:0003582. Disease mechanism: loss of function.

Submissions (3):

Labcorp Genetics (formerly Invitae), Labcorp
Classification: Uncertain significance for Hereditary breast ovarian cancer syndrome. Last evaluated: 2024-02-08. Review status: criteria provided, single submitter. Criteria: Invitae Variant Classification Sherloc (09022015). Collection method: clinical testing. Allele origin: germline.
Comment: This sequence change replaces aspartic acid, which is acidic and polar, with tyrosine, which is neutral and polar, at codon 1199 of the BRCA2 protein (p.Asp1199Tyr). This variant is not present in population databases (gnomAD no frequency). This variant has not been reported in the literature in individuals affected with BRCA2-related conditions. ClinVar contains an entry for this variant (Variation ID: 479391). Advanced modeling of protein sequence and biophysical properties (such as structural, functional, and spatial information, amino acid conservation, physicochemical variation, residue mobility, and thermodynamic stability) performed at Invitae indicates that this missense variant is not expected to disrupt BRCA2 protein function with a negative predictive value of 95%. In summary, the available evidence is currently insufficient to determine the role of this variant in disease. Therefore, it has been classified as a Variant of Uncertain Significance.

University of Washington Department of Laboratory Medicine, University of Washington
Classification: Likely benign for Hereditary cancer-predisposing syndrome. Last evaluated: 2023-03-23. Review status: criteria provided, single submitter. Criteria: Dines et al. (Genet Med. 2020). Collection method: curation. Allele origin: germline.
Comment: Missense variant in a coldspot region where missense variants are very unlikely to be pathogenic (PMID:31911673).

BRCA2 exon 11 coldspot. Reclassification based on statistical prior probability.

Ambry Genetics
Classification: Uncertain significance for Hereditary cancer-predisposing syndrome. Last evaluated: 2017-04-12. Review status: criteria provided, single submitter. Criteria: Ambry Variant Classification Scheme 2023. Collection method: clinical testing. Allele origin: germline.
Comment: The p.D1199Y variant (also known as c.3595G>T), located in coding exon 10 of the BRCA2 gene, results from a G to T substitution at nucleotide position 3595. The aspartic acid at codon 1199 is replaced by tyrosine, an amino acid with highly dissimilar properties. This amino acid position is poorly conserved in available vertebrate species. In addition, this alteration is predicted to be tolerated by in silico analysis. Since supporting evidence is limited at this time, the clinical significance of this alteration remains unclear.

NM_000059.4(BRCA2):c.3595G>T (p.Asp1199Tyr)

Gene: BRCA2 (BRCA2 DNA repair associated; plus strand). Cytogenetic location: 13q13.1.
Variant type: single nucleotide variant.
Coding change: c.3595G>T on transcript NM_000059.4 (MANE Select); coding-DNA position 3595, G replaced by T.
Protein change: p.Asp1199Tyr; replaces aspartic acid 1199 with tyrosine.
Molecular consequence: missense variant.
Genome position (GRCh38, 1-based): chr13:32,337,950, G>T. VCF-style: chr13-32337950-G-T. GRCh37 (hg19) VCF-style: chr13-32912087-G-T.
Other names: short protein forms D1199Y.
Identifiers: ClinVar variation 479391 (VCV000479391.9), dbSNP rs1060502404, ClinGen allele CA387777459.
Genomic context (GRCh38, chr13:32,337,950, plus strand): 5'-AGCAAGCAATTTGAAGGTACAGTTGAAATTAAACGGAAGTTTGCTGGCCTGTTGAAAAAT[G>T]ACTGTAACAAAAGTGCTTCTGGTTATTTAACAGATGAAAATGAAGTGGGGTTTAGGGGCT-3'
Protein context (NP_000050.3, residues 1189-1209): KRKFAGLLKN[Asp1199Tyr]CNKSASGYLT